The following is an entry in ClinVar:

ClinVar aggregate classification (germline): Likely benign. Review status: criteria provided, multiple submitters, no conflicts (2 of 4 stars). 2 submissions from 2 submitters: Likely benign (2). Last evaluated 2026-03-11.

Conditions:
RIPK1-related disorder. Also called: RIPK1-related condition.

Allele frequency attached by ClinVar (database versions not stated): gnomAD exomes 0.00007 and 0.00008; ExAC 0.00010; ESP Exome Variant Server 0.00023; gnomAD 0.00030 and 0.00032; TOPMed 0.00053; 1000 Genomes Project 30x 0.00078; 1000 Genomes Project 0.00080.
gnomAD v4.1: 156 of 1,610,382 alleles (0.0097%); highest among the groups gnomAD compares: Admixed American, 0.077%; no homozygotes.

Submissions (2):

PreventionGenetics, part of Exact Sciences
Classification: Likely benign for RIPK1-related condition. Last evaluated: 2026-03-11. Review status: criteria provided, single submitter. Criteria: ACMG Guidelines, 2015. Collection method: clinical testing. Allele origin: germline.
Comment: This variant is classified as likely benign based on ACMG/AMP sequence variant interpretation guidelines (Richards et al. 2015 PMID: 25741868, with internal and published modifications).

Labcorp Genetics (formerly Invitae), Labcorp
Classification: Likely benign. Last evaluated: 2026-01-18. Review status: criteria provided, single submitter. Criteria: Invitae Variant Classification Sherloc (09022015). Collection method: clinical testing. Allele origin: germline.

NM_001354930.2(RIPK1):c.1656G>A (p.Thr552=)

Gene: RIPK1 (receptor interacting serine/threonine kinase 1; plus strand). Cytogenetic location: 6p25.2.
Variant type: single nucleotide variant.
Coding change: c.1656G>A on transcript NM_001354930.2 (MANE Select); coding-DNA position 1656, G replaced by A.
Protein change: p.Thr552=; no amino-acid change (threonine 552 retained).
Molecular consequence: synonymous variant.
Genome position (GRCh38, 1-based): chr6:3,110,882, G>A. VCF-style: chr6-3110882-G-A. GRCh37 (hg19) VCF-style: chr6-3111116-G-A.
Other names: c.1167G>A, p.Thr389= (NM_001317061.3, NM_001354932.2, NM_001354933.2 and 1 more transcripts); c.1518G>A, p.Thr506= (NM_001354931.2); c.1656G>A, p.Thr552= (NM_003804.6); c.1656G>A (NM_003804.4).
Identifiers: ClinVar variation 1565618 (VCV001565618.9), dbSNP rs143215134, ClinGen allele CA3618482.